The following is an entry in ClinVar:

ClinVar aggregate classification (germline): Pathogenic (1 of 4 stars; one submission).

Conditions:
Primary ciliary dyskinesia 27. Also called: CILIARY DYSKINESIA, PRIMARY, 27, WITHOUT SITUS INVERSUS. Identifiers: Orphanet 244, MedGen C3809701, MONDO:0014215, OMIM 615504.

Allele frequency attached by ClinVar (database versions not stated): gnomAD exomes below 0.00001.

Submission:

Labcorp Genetics (formerly Invitae), Labcorp
Classification: Pathogenic for Primary ciliary dyskinesia 27. Last evaluated: 2022-09-20. Review status: criteria provided, single submitter. Criteria: Invitae Variant Classification Sherloc (09022015). Collection method: clinical testing. Allele origin: germline.
Comment: This sequence change creates a premature translational stop signal (p.Tyr233*) in the CCDC65 gene. It is expected to result in an absent or disrupted protein product. Loss-of-function variants in CCDC65 are known to be pathogenic (PMID: 23991085, 24094744). This variant is not present in population databases (gnomAD no frequency). For these reasons, this variant has been classified as Pathogenic. This variant has not been reported in the literature in individuals affected with CCDC65-related conditions.

Literature cited by the submitters: PubMed 23991085; PubMed 24094744.

NM_033124.5(DRC2):c.699del (p.Asn232_Tyr233insTer)

Gene: DRC2 (dynein regulatory complex subunit 2; plus strand). Cytogenetic location: 12q13.12.
Variant type: Deletion.
Coding change: c.699del on transcript NM_033124.5 (MANE Select); coding-DNA position 699, one base deleted (C; older notation c.699delC).
Protein change: p.Asn232_Tyr233insTer.
Molecular consequence: nonsense.
Genome position (GRCh38, 1-based): chr12:48,918,364, C deleted. VCF-style (leftmost placement, unchanged base first): chr12-48918363-AC-A. GRCh37 (hg19) VCF-style: chr12-49312146-AC-A.
Other names: c.270del, p.Asn89_Tyr90insTer (NM_001286957.2).
Identifiers: ClinVar variation 2053606 (VCV002053606.4), dbSNP rs1592227238, ClinGen allele CA919082791.